The following is an entry in ClinVar:

ClinVar aggregate classification (germline): Uncertain significance (1 of 4 stars; one submission).

Conditions:
Brugada syndrome. Also called: Sudden unexpected nocturnal death syndrome; Sudden unexplained nocturnal death syndrome; Sudden Unexplained Death Syndrome; Sudden Unexplained Nocturnal Death Syndrome (SUNDS). Identifiers: Orphanet 130, MedGen C1142166, MONDO:0015263.

Submission:

Labcorp Genetics (formerly Invitae), Labcorp
Classification: Uncertain significance for Brugada syndrome. Last evaluated: 2019-03-23. Review status: criteria provided, single submitter. Criteria: Invitae Variant Classification Sherloc (09022015). Collection method: clinical testing. Allele origin: germline.
Comment: In summary, the available evidence is currently insufficient to determine the role of this variant in disease. Therefore, it has been classified as a Variant of Uncertain Significance. Algorithms developed to predict the effect of missense changes on protein structure and function are either unavailable or do not agree on the potential impact of this missense change (SIFT: "Deleterious"; PolyPhen-2: "Probably Damaging"; Align-GVGD: "Class C0"). This variant has not been reported in the literature in individuals with SCN10A-related conditions. This variant is not present in population databases (ExAC no frequency). This sequence change replaces threonine with arginine at codon 1436 of the SCN10A protein (p.Thr1436Arg). The threonine residue is highly conserved and there is a moderate physicochemical difference between threonine and arginine.

NM_006514.4(SCN10A):c.4307C>G (p.Thr1436Arg)

Gene: SCN10A (sodium voltage-gated channel alpha subunit 10; minus strand). Cytogenetic location: 3p22.2.
Variant type: single nucleotide variant.
Coding change: c.4307C>G on transcript NM_006514.4 (MANE Select); coding-DNA position 4307, C replaced by G.
Protein change: p.Thr1436Arg; replaces threonine 1436 with arginine.
Molecular consequence: missense variant.
Genome position (GRCh38, 1-based): chr3:38,707,358, G>C on the plus strand (C>G on the coding strand, the complement: SCN10A is on the minus strand). VCF-style: chr3-38707358-G-C. GRCh37 (hg19) VCF-style: chr3-38748849-G-C.
Other names: c.4304C>G, p.Thr1435Arg (NM_001293306.2); c.4013C>G, p.Thr1338Arg (NM_001293307.2); short protein forms T1338R, T1435R, T1436R.
Identifiers: ClinVar variation 851625 (VCV000851625.6), dbSNP rs1278000627, ClinGen allele CA352148695.